The following is an entry in ClinVar:

ClinVar aggregate classification (germline): Uncertain significance. Review status: criteria provided, multiple submitters, no conflicts (2 of 4 stars). 3 submissions from 3 submitters: Uncertain significance (3). Last evaluated 2022-04-17.

Conditions:
Walker-Warburg congenital muscular dystrophy. Also called: Muscular dystrophy-dystroglycanopathy, type A; Walker-Warburg syndrome. Identifiers: Orphanet 899, MedGen C0265221, MONDO:0000171.

Submissions (3):

Labcorp Genetics (formerly Invitae), Labcorp
Classification: Uncertain significance for Walker-Warburg congenital muscular dystrophy. Last evaluated: 2022-04-17. Review status: criteria provided, single submitter. Criteria: Invitae Variant Classification Sherloc (09022015). Collection method: clinical testing. Allele origin: germline.
Comment: This sequence change replaces arginine, which is basic and polar, with glycine, which is neutral and non-polar, at codon 390 of the FKRP protein (p.Arg390Gly). This variant is not present in population databases (gnomAD no frequency). This variant has not been reported in the literature in individuals affected with FKRP-related conditions. Algorithms developed to predict the effect of missense changes on protein structure and function (SIFT, PolyPhen-2, Align-GVGD) all suggest that this variant is likely to be tolerated. In summary, the available evidence is currently insufficient to determine the role of this variant in disease. Therefore, it has been classified as a Variant of Uncertain Significance.

GeneDx
Classification: Uncertain significance. Last evaluated: 2022-01-31. Review status: criteria provided, single submitter. Criteria: GeneDx Variant Classification Process June 2021. Collection method: clinical testing. Allele origin: germline. Affected: yes.
Comment: Not observed at significant frequency in large population cohorts (gnomAD); Missense variants in this gene are often considered pathogenic (HGMD); In silico analysis supports that this missense variant does not alter protein structure/function; Has not been previously published as pathogenic or benign to our knowledge; This variant is associated with the following publications: (PMID: 27439679)

Mayo Clinic Laboratories, Mayo Clinic
Classification: Uncertain significance. Last evaluated: 2021-11-12. Review status: criteria provided, single submitter. Criteria: ACMG Guidelines, 2015. Collection method: clinical testing. Allele origin: germline.

NM_024301.5(FKRP):c.1168C>G (p.Arg390Gly)

Gene: FKRP (fukutin related protein; plus strand). Cytogenetic location: 19q13.32.
Variant type: single nucleotide variant.
Coding change: c.1168C>G on transcript NM_024301.5 (MANE Select); coding-DNA position 1168, C replaced by G.
Protein change: p.Arg390Gly; replaces arginine 390 with glycine.
Molecular consequence: missense variant.
Genome position (GRCh38, 1-based): chr19:46,756,618, C>G. VCF-style: chr19-46756618-C-G. GRCh37 (hg19) VCF-style: chr19-47259875-C-G.
Other names: p.Arg390Gly; c.1168C>G, p.Arg390Gly (NM_001039885.3); short protein forms R390G.
Identifiers: ClinVar variation 1693752 (VCV001693752.11), dbSNP rs2122632676, ClinGen allele CA406496783.